The following is an entry in ClinVar:

ClinVar aggregate classification (germline): Conflicting classifications of pathogenicity. Review status: criteria provided, conflicting classifications (1 of 4 stars). 2 submissions from 2 submitters: Uncertain significance (1); Likely benign (1). Last evaluated 2023-12-28.

Submissions (2):

Labcorp Genetics (formerly Invitae), Labcorp
Classification: Uncertain significance. Last evaluated: 2023-12-28. Review status: criteria provided, single submitter. Criteria: Invitae Variant Classification Sherloc (09022015). Collection method: clinical testing. Allele origin: germline.
Comment: This variant, c.490_498dup, results in the insertion of 3 amino acid(s) of the MCM2 protein (p.Asp164_Glu166dup), but otherwise preserves the integrity of the reading frame. This variant is present in population databases (rs749079722, gnomAD 0.04%). This variant has not been reported in the literature in individuals affected with MCM2-related conditions. ClinVar contains an entry for this variant (Variation ID: 668366). In summary, the available evidence is currently insufficient to determine the role of this variant in disease. Therefore, it has been classified as a Variant of Uncertain Significance.

GeneDx
Classification: Likely benign. Last evaluated: 2018-09-05. Review status: criteria provided, single submitter. Criteria: GeneDx Variant Classification (06012015). Collection method: clinical testing. Allele origin: germline. Affected: yes.
Comment: This variant is considered likely benign or benign based on one or more of the following criteria: it is a conservative change, it occurs at a poorly conserved position in the protein, it is predicted to be benign by multiple in silico algorithms, and/or has population frequency not consistent with disease.

NM_004526.4(MCM2):c.490_498dup (p.Asp164_Glu166dup)

Gene: MCM2 (minichromosome maintenance complex component 2; plus strand). Cytogenetic location: 3q21.3.
Variant type: Duplication.
Coding change: c.490_498dup on transcript NM_004526.4 (MANE Select); coding-DNA positions 490 to 498, 9 bases duplicated (GACGAGGAG; older notation c.490_498dupGACGAGGAG).
Protein change: p.Asp164_Glu166dup.
Molecular consequence: inframe insertion. On other transcripts: non-coding transcript variant (1).
Genome position (GRCh38, 1-based): chr3:127,604,973-127,604,981, GACGAGGAG duplicated; duplicating any 9 consecutive bases within chr3:127,604,966-127,604,981 gives the same sequence; the c. name uses the placement nearest the transcript's 3' end. VCF-style (leftmost placement, unchanged base first): chr3-127604965-G-GCGAGGAGGA. GRCh37 (hg19) VCF-style: chr3-127323808-G-GCGAGGAGGA.
Identifiers: ClinVar variation 668366 (VCV000668366.4), dbSNP rs749079722, ClinGen allele CA2595604.
Genomic context (GRCh38, chr3:127,604,965, plus strand): 5'-AGGAGGACGAGGAGCGCCCTGCCCGCAAGCGCCGCCAGGTGGAGCGGGCCACGGAGGACG[G>GCGAGGAGGA]CGAGGAGGACGAGGAGATGATCGAGAGCATCGAGAACCTGGAGGATCTCAAAGGCCACTC-3'